The following is an entry in ClinVar:

ClinVar aggregate classification (germline): Uncertain significance (1 of 4 stars; one submission).

Submission:

Labcorp Genetics (formerly Invitae), Labcorp
Classification: Uncertain significance. Last evaluated: 2022-07-03. Review status: criteria provided, single submitter. Criteria: Invitae Variant Classification Sherloc (09022015). Collection method: clinical testing. Allele origin: germline.
Comment: In summary, the available evidence is currently insufficient to determine the role of this variant in disease. Therefore, it has been classified as a Variant of Uncertain Significance. Advanced modeling of protein sequence and biophysical properties (such as structural, functional, and spatial information, amino acid conservation, physicochemical variation, residue mobility, and thermodynamic stability) performed at Invitae indicates that this missense variant is not expected to disrupt COL27A1 protein function. This variant has not been reported in the literature in individuals affected with COL27A1-related conditions. This variant is not present in population databases (gnomAD no frequency). This sequence change replaces lysine, which is basic and polar, with asparagine, which is neutral and polar, at codon 371 of the COL27A1 protein (p.Lys371Asn).

NM_032888.4(COL27A1):c.1113G>C (p.Lys371Asn)

Gene: COL27A1 (collagen type XXVII alpha 1 chain; plus strand). Cytogenetic location: 9q32.
Variant type: single nucleotide variant.
Coding change: c.1113G>C on transcript NM_032888.4 (MANE Select); coding-DNA position 1113, G replaced by C.
Protein change: p.Lys371Asn; replaces lysine 371 with asparagine.
Molecular consequence: missense variant.
Genome position (GRCh38, 1-based): chr9:114,168,668, G>C. VCF-style: chr9-114168668-G-C. GRCh37 (hg19) VCF-style: chr9-116930948-G-C.
Other names: short protein forms K371N.
Identifiers: ClinVar variation 2013547 (VCV002013547.4), dbSNP rs2490565473, ClinGen allele CA374593379.